The following is an entry in ClinVar:

ClinVar aggregate classification (germline): Uncertain significance (1 of 4 stars; one submission).

Conditions:
Cardiovascular phenotype. Identifiers: MedGen CN230736.

Submission:

Ambry Genetics
Classification: Uncertain significance for Cardiovascular phenotype. Last evaluated: 2026-07-09. Review status: criteria provided, single submitter. Criteria: Ambry Variant Classification Scheme 2023. Collection method: clinical testing. Allele origin: germline.
Comment: The p.P971T variant (also known as c.2911C>A), located in coding exon 6 of the ALPK3 gene, results from a C to A substitution at nucleotide position 2911. The proline at codon 971 is replaced by threonine, an amino acid with highly similar properties. This amino acid position is conserved. In addition, this alteration is predicted to be tolerated by in silico analysis. Based on the available evidence, the clinical significance of this variant remains unclear.

NM_020778.5(ALPK3):c.2305C>A (p.Pro769Thr)

Gene: ALPK3 (alpha kinase 3; plus strand). Cytogenetic location: 15q25.3.
Variant type: single nucleotide variant.
Coding change: c.2305C>A on transcript NM_020778.5 (MANE Select); coding-DNA position 2305, C replaced by A.
Protein change: p.Pro769Thr; replaces proline 769 with threonine.
Molecular consequence: missense variant.
Genome position (GRCh38, 1-based): chr15:84,857,043, C>A. VCF-style: chr15-84857043-C-A. GRCh37 (hg19) VCF-style: chr15-85400274-C-A.
Other names: short protein forms P769T.
Identifiers: ClinVar variation 5036456 (VCV005036456.1).